The following is an entry in ClinVar:

NM_000482.4(APOA4):c.916C>T (p.Arg306Trp)

Gene: APOA4 (apolipoprotein A4; minus strand). Cytogenetic location: 11q23.3.
Variant type: single nucleotide variant.
Coding change: c.916C>T on transcript NM_000482.4 (MANE Select); coding-DNA position 916, C replaced by T.
Protein change: p.Arg306Trp; replaces arginine 306 with tryptophan.
Molecular consequence: missense variant.
Genome position (GRCh38, 1-based): chr11:116,821,142, G>A on the plus strand (C>T on the coding strand, the complement: APOA4 is on the minus strand). VCF-style: chr11-116821142-G-A. GRCh37 (hg19) VCF-style: chr11-116691858-G-A.
Other names: short protein forms R306W.
Identifiers: ClinVar variation 2058007 (VCV002058007.4), dbSNP rs201021435, ClinGen allele CA6289281.
Genomic context (GRCh38, chr11:116,821,142, plus strand): 5'-TGAGCTGTTCCATCTGCTGCACCAGGGCTTTGTTGAAGTTTTCCCCGTAGGGCTCCACCC[G>A]GCGTCGGAACTCCTCCACCTGCTGGTCCAGGTGCCCACCCAGCTCTGCCAGTGACTTCTG-3'
Protein context (NP_000473.2, residues 296-316): LDQQVEEFRR[Arg306Trp]VEPYGENFNK

ClinVar aggregate classification (germline): Uncertain significance (1 of 4 stars; one submission).

Allele frequency attached by ClinVar (database versions not stated): TOPMed 0.00004; ExAC 0.00003; 1000 Genomes Project 0.00020; 1000 Genomes Project 30x 0.00031.

Submission:

Labcorp Genetics (formerly Invitae), Labcorp
Classification: Uncertain significance. Last evaluated: 2023-07-07. Review status: criteria provided, single submitter. Criteria: Invitae Variant Classification Sherloc (09022015). Collection method: clinical testing. Allele origin: germline.
Comment: In summary, the available evidence is currently insufficient to determine the role of this variant in disease. Therefore, it has been classified as a Variant of Uncertain Significance. Advanced modeling of protein sequence and biophysical properties (such as structural, functional, and spatial information, amino acid conservation, physicochemical variation, residue mobility, and thermodynamic stability) performed at Invitae indicates that this missense variant is not expected to disrupt APOA4 protein function. ClinVar contains an entry for this variant (Variation ID: 2058007). This variant has not been reported in the literature in individuals affected with APOA4-related conditions. This variant is present in population databases (rs201021435, gnomAD 0.007%). This sequence change replaces arginine, which is basic and polar, with tryptophan, which is neutral and slightly polar, at codon 306 of the APOA4 protein (p.Arg306Trp).